The following is an entry in ClinVar:

NM_182961.4(SYNE1):c.14028T>A (p.Tyr4676Ter)

Gene: SYNE1 (spectrin repeat containing nuclear envelope protein 1; minus strand). Cytogenetic location: 6q25.2.
Variant type: single nucleotide variant.
Coding change: c.14028T>A on transcript NM_182961.4 (MANE Select); coding-DNA position 14028, T replaced by A.
Protein change: p.Tyr4676Ter; replaces tyrosine 4676 with a stop codon.
Molecular consequence: nonsense.
Genome position (GRCh38, 1-based): chr6:152,330,657, A>T on the plus strand (T>A on the coding strand, the complement: SYNE1 is on the minus strand). VCF-style: chr6-152330657-A-T. GRCh37 (hg19) VCF-style: chr6-152651792-A-T.
Other names: c.13815T>A, p.Tyr4605Ter (NM_033071.5); short protein forms Y4605*, Y4676*.
Identifiers: ClinVar variation 3571969 (VCV003571969.1).

ClinVar aggregate classification (germline): Pathogenic (1 of 4 stars; one submission).

Submission:

Athena Diagnostics
Classification: Pathogenic. Last evaluated: 2024-06-11. Review status: criteria provided, single submitter. Criteria: Athena Diagnostics Criteria. Collection method: clinical testing. Allele origin: unknown.
Comment: This variant is expected to result in the loss of a functional protein. This variant has not been reported in large, multi-ethnic general populations. This variant has been identified in at least one individual tested at Athena Diagnostics with clinical features associated with this gene.